The following is an entry in ClinVar:

ClinVar aggregate classification (germline): Uncertain significance. Review status: criteria provided, multiple submitters, no conflicts (2 of 4 stars). 2 submissions from 2 submitters: Uncertain significance (2). Last evaluated 2025-04-01.

Conditions:
Rajab interstitial lung disease with brain calcifications 2. Identifiers: MedGen C5436603, MONDO:0100220, OMIM 619013.

Allele frequency attached by ClinVar (database versions not stated): gnomAD 0.00002; TOPMed 0.00003; gnomAD exomes 0.00004; ExAC 0.00006; ESP Exome Variant Server 0.00008; 1000 Genomes Project 0.00020; 1000 Genomes Project 30x 0.00031.
gnomAD v4.1: 61 of 1,612,180 alleles (0.0038%); highest among the groups gnomAD compares: Middle Eastern, 0.019%; no homozygotes.

Submissions (2):

CeGaT Center for Human Genetics Tuebingen
Classification: Uncertain significance. Last evaluated: 2025-04-01. Review status: criteria provided, single submitter. Criteria: CeGaT Center For Human Genetics Tuebingen Variant Classification Criteria Version 2. Collection method: clinical testing. Allele origin: germline. Affected: yes. Observed: 1 variant allele.
Comment: FARSA: PM2

Genomic Medicine Center of Excellence, King Faisal Specialist Hospital and Research Centre
Classification: Uncertain significance for Rajab interstitial lung disease with brain calcifications 2. Last evaluated: 2024-04-04. Review status: criteria provided, single submitter. Criteria: ACMG Guidelines, 2015. Collection method: clinical testing. Allele origin: germline.

NM_004461.3(FARSA):c.916G>A (p.Gly306Ser)

Gene: FARSA (phenylalanyl-tRNA synthetase subunit alpha; minus strand). Cytogenetic location: 19p13.13.
Variant type: single nucleotide variant.
Coding change: c.916G>A on transcript NM_004461.3 (MANE Select); coding-DNA position 916, G replaced by A.
Protein change: p.Gly306Ser; replaces glycine 306 with serine.
Molecular consequence: missense variant.
Genome position (GRCh38, 1-based): chr19:12,925,100, C>T on the plus strand (G>A on the coding strand, the complement: FARSA is on the minus strand). VCF-style: chr19-12925100-C-T. GRCh37 (hg19) VCF-style: chr19-13035914-C-T.
Other names: short protein forms G306S.
Identifiers: ClinVar variation 3068268 (VCV003068268.8), dbSNP rs145222447, ClinGen allele CA9235234.